The following is an entry in ClinVar:

ClinVar aggregate classification (germline): Uncertain significance. Review status: criteria provided, multiple submitters, no conflicts (2 of 4 stars). 2 submissions from 2 submitters: Uncertain significance (2). Last evaluated 2024-09-30.

Conditions:
Familial thoracic aortic aneurysm and aortic dissection (TAAD). Also called: Thoracic aortic aneurysms and dissections. Identifiers: Orphanet 91387, MedGen C4707243, MONDO:0019625.

Submissions (2):

Ambry Genetics
Classification: Uncertain significance for Familial thoracic aortic aneurysm and aortic dissection. Last evaluated: 2024-09-30. Review status: criteria provided, single submitter. Criteria: Ambry Variant Classification Scheme 2023. Collection method: clinical testing. Allele origin: germline.
Comment: The p.F721Y variant (also known as c.2162T>A), located in coding exon 16 of the MYH11 gene, results from a T to A substitution at nucleotide position 2162. The phenylalanine at codon 721 is replaced by tyrosine, an amino acid with highly similar properties. This amino acid position is conserved. In addition, the in silico prediction for this alteration is inconclusive. Based on the available evidence, the clinical significance of this variant remains unclear.

All of Us Research Program, National Institutes of Health
Classification: Uncertain significance for Familial thoracic aortic aneurysm and aortic dissection. Last evaluated: 2023-08-15. Review status: criteria provided, single submitter. Criteria: ACMG Guidelines, 2015. Collection method: clinical testing. Allele origin: germline. Inheritance: Autosomal dominant inheritance. Observed: 1 variant allele, 1 heterozygote.
Comment: This missense variant replaces phenylalanine with tyrosine at codon 728 of the MYH11 protein. Computational prediction suggests that this variant may have deleterious impact on protein structure and function (internally defined REVEL score threshold >= 0.7, PMID: 27666373). To our knowledge, functional studies have not been reported for this variant. This variant has not been reported in individuals affected with MYH11-related disorders in the literature. This variant has not been identified in the general population by the Genome Aggregation Database (gnomAD). The available evidence is insufficient to determine the role of this variant in disease conclusively. Therefore, this variant is classified as a Variant of Uncertain Significance.

This study involves interpretation of variants in research participants for the purpose of population health screening. Participant phenotype was not available at the time of variant classification. Additional details can be found in publication PMID: 35346344, PMCID: PMC8962531

NM_002474.3(MYH11):c.2162T>A (p.Phe721Tyr)

Gene: MYH11 (myosin heavy chain 11; minus strand). Cytogenetic location: 16p13.11.
Variant type: single nucleotide variant.
Coding change: c.2162T>A on transcript NM_002474.3 (MANE Select); coding-DNA position 2162, T replaced by A.
Protein change: p.Phe721Tyr; replaces phenylalanine 721 with tyrosine.
Molecular consequence: missense variant.
Genome position (GRCh38, 1-based): chr16:15,748,065, A>T on the plus strand (T>A on the coding strand, the complement: MYH11 is on the minus strand). VCF-style: chr16-15748065-A-T. GRCh37 (hg19) VCF-style: chr16-15841922-A-T.
Other names: c.2183T>A, p.Phe728Tyr (NM_001040113.2, NM_001040114.2); c.2162T>A, p.Phe721Tyr (NM_022844.3); c.2162T>A (NM_002474.2); short protein forms F721Y, F728Y.
Identifiers: ClinVar variation 3072968 (VCV003072968.2), dbSNP rs2506273570, ClinGen allele CA394867983.